The following is an entry in ClinVar:

ClinVar aggregate classification (germline): Uncertain significance. Review status: criteria provided, multiple submitters, no conflicts (2 of 4 stars). 2 submissions from 2 submitters: Uncertain significance (2). Last evaluated 2023-12-13.

Conditions:
Familial thoracic aortic aneurysm and aortic dissection (TAAD). Also called: Thoracic aortic aneurysms and dissections. Identifiers: Orphanet 91387, MedGen C4707243, MONDO:0019625.
Marfan syndrome (MFS). Also called: MARFAN SYNDROME, TYPE I; Marfan syndrome type 1; Marfan's syndrome; Marfan syndrome, classic; FBN1-Related Marfan Syndrome. Identifiers: Orphanet 284963, Orphanet 558, MedGen C0024796, MONDO:0007947, OMIM 154700.

Allele frequency attached by ClinVar (database versions not stated): gnomAD exomes below 0.00001.
gnomAD v4.1: 1 of 1,613,852 alleles (0.000062%); highest among the groups gnomAD compares: Non-Finnish European, 0.000085%; no homozygotes.

Submissions (2):

All of Us Research Program, National Institutes of Health
Classification: Uncertain significance for Marfan syndrome. Last evaluated: 2023-12-13. Review status: criteria provided, single submitter. Criteria: ACMG Guidelines, 2015. Collection method: clinical testing. Allele origin: germline. Inheritance: Autosomal dominant inheritance. Observed: 1 variant allele, 1 heterozygote.
Comment: This missense variant replaces asparagine with serine at codon 1581 of the FBN1 protein. Computational prediction suggests that this variant may have deleterious impact on protein structure and function (internally defined REVEL score threshold >= 0.7, PMID: 27666373). To our knowledge, functional studies have not been reported for this variant. This variant has not been reported in individuals affected with FBN1-related disorders in the literature. This variant has not been identified in the general population by the Genome Aggregation Database (gnomAD). The available evidence is insufficient to determine the role of this variant in disease conclusively. Therefore, this variant is classified as a Variant of Uncertain Significance.

This study involves interpretation of variants in research participants for the purpose of population health screening. Participant phenotype was not available at the time of variant classification. Additional details can be found in publication PMID: 35346344, PMCID: PMC8962531

Labcorp Genetics (formerly Invitae), Labcorp
Classification: Uncertain significance for Marfan syndrome; Familial thoracic aortic aneurysm and aortic dissection. Last evaluated: 2022-07-17. Review status: criteria provided, single submitter. Criteria: Invitae Variant Classification Sherloc (09022015). Collection method: clinical testing. Allele origin: germline.
Comment: This sequence change replaces asparagine, which is neutral and polar, with serine, which is neutral and polar, at codon 1581 of the FBN1 protein (p.Asn1581Ser). This variant is not present in population databases (gnomAD no frequency). This variant has not been reported in the literature in individuals affected with FBN1-related conditions. Advanced modeling of protein sequence and biophysical properties (such as structural, functional, and spatial information, amino acid conservation, physicochemical variation, residue mobility, and thermodynamic stability) performed at Invitae indicates that this missense variant is expected to disrupt FBN1 protein function. In summary, the available evidence is currently insufficient to determine the role of this variant in disease. Therefore, it has been classified as a Variant of Uncertain Significance.

NM_000138.5(FBN1):c.4742A>G (p.Asn1581Ser)

Gene: FBN1 (fibrillin 1; minus strand). Cytogenetic location: 15q21.1.
Variant type: single nucleotide variant.
Coding change: c.4742A>G on transcript NM_000138.5 (MANE Select); coding-DNA position 4742, A replaced by G.
Protein change: p.Asn1581Ser; replaces asparagine 1581 with serine.
Molecular consequence: missense variant.
Genome position (GRCh38, 1-based): chr15:48,467,943, T>C on the plus strand (A>G on the coding strand, the complement: FBN1 is on the minus strand). VCF-style: chr15-48467943-T-C. GRCh37 (hg19) VCF-style: chr15-48760140-T-C.
Other names: c.4742A>G, p.Asn1581Ser (NM_001406716.1); short protein forms N1581S.
Identifiers: ClinVar variation 2062673 (VCV002062673.5), dbSNP rs2505501431, ClinGen allele CA392352692.